The following is an entry in ClinVar:

ClinVar aggregate classification (germline): Uncertain significance. Review status: criteria provided, multiple submitters, no conflicts (2 of 4 stars). 3 submissions from 3 submitters: Uncertain significance (3). Last evaluated 2022-07-01.

Conditions:
Inborn genetic diseases. Identifiers: MedGen C0950123, MeSH D030342.
Joubert syndrome 3 (JBTS3). Also called: AHI1-related Ciliopathy. Identifiers: Orphanet 220493, MedGen C1837713, MONDO:0012078, OMIM 608629.
Joubert syndrome. Also called: CEREBELLOPARENCHYMAL DISORDER IV; JOUBERT-BOLTSHAUSER SYNDROME; Familial aplasia of the vermis. Identifiers: Orphanet 475, MedGen C5979921, MONDO:0018772.

Allele frequency attached by ClinVar (database versions not stated): gnomAD exomes 0.00003 and 0.00002; gnomAD 0.00001; TOPMed 0.00001; ExAC 0.00002.
gnomAD v4.1: 27 of 1,613,668 alleles (0.0017%); highest among the groups gnomAD compares: Non-Finnish European, 0.0022%; no homozygotes.

Submissions (3):

Labcorp Genetics (formerly Invitae), Labcorp
Classification: Uncertain significance for Joubert syndrome. Last evaluated: 2022-07-01. Review status: criteria provided, single submitter. Criteria: Invitae Variant Classification Sherloc (09022015). Collection method: clinical testing. Allele origin: germline.
Comment: This sequence change replaces isoleucine, which is neutral and non-polar, with threonine, which is neutral and polar, at codon 1093 of the AHI1 protein (p.Ile1093Thr). This variant is present in population databases (rs749649946, gnomAD 0.006%). This variant has not been reported in the literature in individuals affected with AHI1-related conditions. ClinVar contains an entry for this variant (Variation ID: 1375294). Advanced modeling of protein sequence and biophysical properties (such as structural, functional, and spatial information, amino acid conservation, physicochemical variation, residue mobility, and thermodynamic stability) performed at Invitae indicates that this missense variant is not expected to disrupt AHI1 protein function. In summary, the available evidence is currently insufficient to determine the role of this variant in disease. Therefore, it has been classified as a Variant of Uncertain Significance.

Fulgent Genetics
Classification: Uncertain significance for Joubert syndrome 3. Last evaluated: 2021-12-15. Review status: criteria provided, single submitter. Criteria: ACMG Guidelines, 2015. Collection method: clinical testing. Allele origin: unknown.

Ambry Genetics
Classification: Uncertain significance for Inborn genetic diseases. Last evaluated: 2021-09-02. Review status: criteria provided, single submitter. Criteria: Ambry Variant Classification Scheme 2023. Collection method: clinical testing. Allele origin: germline.

NM_001134831.2(AHI1):c.3278T>C (p.Ile1093Thr)

Gene: AHI1 (Abelson helper integration site 1; minus strand). Cytogenetic location: 6q23.3.
Variant type: single nucleotide variant.
Coding change: c.3278T>C on transcript NM_001134831.2 (MANE Select); coding-DNA position 3278, T replaced by C.
Protein change: p.Ile1093Thr; replaces isoleucine 1093 with threonine.
Molecular consequence: missense variant.
Genome position (GRCh38, 1-based): chr6:135,323,212, A>G on the plus strand (T>C on the coding strand, the complement: AHI1 is on the minus strand). VCF-style: chr6-135323212-A-G. GRCh37 (hg19) VCF-style: chr6-135644350-A-G.
Other names: c.3278T>C, p.Ile1093Thr (NM_001134830.2, NM_001350503.2, NM_001350504.2 and 1 more transcripts); short protein forms I1093T.
Identifiers: ClinVar variation 1375294 (VCV001375294.7), dbSNP rs749649946, ClinGen allele CA4012054.
Genomic context (GRCh38, chr6:135,323,212, plus strand): 5'-TAAAACTTACTTTCACTAGCCACATGATTAGCTGGAAAATAACCTTCCTGTCCCTTTCCT[A>G]TGCTGCCATACCACCAGTCTTCATTATCTTTGAAAAACACTCGGATAATGTCTCCGCGAT-3'
Protein context (NP_001128303.1, residues 1083-1103): KDNEDWWYGS[Ile1093Thr]GKGQEGYFPA